The following is an entry in ClinVar:

NM_000132.4(F8):c.6622C>G (p.Gln2208Glu)

Gene: F8 (coagulation factor VIII; minus strand). Cytogenetic location: Xq28.
Variant type: single nucleotide variant.
Coding change: c.6622C>G on transcript NM_000132.4 (MANE Select); coding-DNA position 6622, C replaced by G.
Protein change: p.Gln2208Glu; replaces glutamine 2208 with glutamic acid.
Molecular consequence: missense variant.
Genome position (GRCh38, 1-based): chrX:154,861,819, G>C on the plus strand (C>G on the coding strand, the complement: F8 is on the minus strand). VCF-style: chrX-154861819-G-C. GRCh37 (hg19) VCF-style: chrX-154090094-G-C.
Other names: p.Gln2208Glu; NM_000132.4(F8):c.6622C>G; c.217C>G, p.Gln73Glu (NM_019863.3); short protein forms Q2208E, Q73E.
Identifiers: ClinVar variation 811219 (VCV000811219.15), dbSNP rs1472169963, ClinGen allele CA414905992.
Genomic context (GRCh38, chrX:154,861,819, plus strand): 5'-GAGCTTTTGAAGGAGACCAGGTGGCAAACATATTGGTAAAGTAGGATGAAGCAGTAATCT[G>C]TGCATCTGATATTGCTTTACTCTCCATTCCCAATGGCATGCTGCAACCTCAAAGAAAAGA-3'
Protein context (NP_000123.1, residues 2198-2218): GMESKAISDA[Gln2208Glu]ITASSYFTNM

ClinVar aggregate classification (germline): Pathogenic. Review status: reviewed by expert panel (3 of 4 stars). 7 submissions from 7 submitters: Pathogenic (1). 6 of the submissions do not count toward it. Last evaluated 2025-08-15.

Conditions:
Hereditary factor VIII deficiency disease (HEMA). Also called: HEMOPHILIA, CLASSIC; Hemophilia A, congenital; HEM A; Factor 8 deficiency, congenital; AUTOSOMAL HEMOPHILIA A; Hemophilia A. Identifiers: Orphanet 98878, MedGen C0019069, MONDO:0010602, OMIM 306700.
Thrombophilia, X-linked, due to factor 8 defect. Also called: THROMBOPHILIA, X-LINKED, DUE TO FACTOR VIII DEFECT; Thrombophilia 13, X-linked, due to factor VIII defect. Identifiers: MedGen C5676879, MONDO:0859082, OMIM 301071.

Allele frequency attached by ClinVar (database versions not stated): gnomAD exomes 0.00002 and below 0.00001; gnomAD 0.00001; TOPMed 0.00002.
gnomAD v4.1: 5 of 1,208,731 alleles (0.00041%); highest among the groups gnomAD compares: Admixed American, 0.0044%; no homozygotes.

Submissions (7):

ClinGen Coagulation Factor Deficiency Variant Curation Expert Panel, Clingen
Classification: Pathogenic for Hereditary factor VIII deficiency disease. Last evaluated: 2025-08-15. Review status: reviewed by expert panel. Criteria: ClinGen CoagFactor ACMG Specifications F8 V1.0.0. Collection method: curation. Allele origin: germline. Inheritance: X-linked inheritance.
Comment: The c.6622C>G (p.Gln2208Glu) variant is absent in gnomAD v2.1.1 and 3.1.2 meeting PM2_Supporting. The variant has a REVEL score of 0.799 meeting PP3. There have been more than 10 probands reported with mild hemophilia A, and at least one proband with FVIII:C 24% had VWD type 2N ruled out (PMID: 29296726, 21645180, 16769589 & EAHAD Database), meeting PP4_Moderate and PS4_Very strong. There is another variant at the codon, c.6622C>G, p.Gln2208Arg, and has been classified as pathogenic by CFD VCEP. However, PM5 will not be applied to avoid circularity. In summary, based on the evidence available at this time, the clinical significance of this variant is pathogenic. ACMG/AMP criteria applied, as specified by the Coagulation Factor Deficiency Variant Curation Expert Panel for F8: PM2_Supporting, PP3, PP4_Moderate, PS4_Very strong.

Women's Health and Genetics/Laboratory Corporation of America, LabCorp
Classification: Pathogenic for Hereditary factor VIII deficiency disease. Last evaluated: 2026-06-15. Review status: criteria provided, single submitter. Criteria: LabCorp Variant Classification Summary - May 2015. Collection method: clinical testing. Allele origin: germline. Not counted in ClinVar's aggregate classification.
Comment: Variant summary: F8 c.6622C>G (p.Gln2208Glu) results in a conservative amino acid change in the encoded protein sequence. Algorithms developed to predict the effect of missense changes on protein structure and function are either unavailable or do not agree on the potential impact of this missense change. The variant allele was found at a frequency of 1.6e-05 in 183410 control chromosomes. c.6622C>G has been observed in multiple individuals affected with Factor VIII Deficiency (Hemophilia A)(e.g. Fernandez-Lopez_2005, Silva Pinto_2012, Johnsen_2017). These data indicate that the variant is very likely to be associated with disease. A different variant affecting the same codon has been classified as pathogenic by our lab (c.6623A>G, p.Gln2208Arg), supporting the critical relevance of codon 2208 to F8 protein function. The following publications have been ascertained in the context of this evaluation (PMID: 15921397, 29296726, 21645180). ClinVar contains an entry for this variant (Variation ID: 811219). Based on the evidence outlined above, the variant was classified as pathogenic.

Mendelics
Classification: Pathogenic for Hereditary factor VIII deficiency disease. Last evaluated: 2026-03-05. Review status: criteria provided, single submitter. Criteria: ACMG Guidelines, 2015. Collection method: clinical testing. Allele origin: unknown. Not counted in ClinVar's aggregate classification.
Comment: Likely pathogenic/Pathogenic according to ACMG criteria.

Dasa
Classification: Likely pathogenic. Last evaluated: 2025-09-24. Review status: criteria provided, single submitter. Criteria: DASA Assertion Criteria. Collection method: clinical testing. Allele origin: germline. Not counted in ClinVar's aggregate classification.
Comment: NM_000132.4(F8):c.6622C>G (p.Gln2208Glu) is a missense variant that results in the substitution of glutamine with glutamic acid. The affected residue or protein region has prior evidence supporting clinical relevance. Segregation data support an association with disease in the reported family/families. This variant has been observed in affected individuals with F8-related disorders. Also, this variant is absent from population databases. Computational evidence supports a deleterious effect. Based on the currently available evidence, this variant is classified as likely pathogenic.

ARUP Laboratories, Molecular Genetics and Genomics, ARUP Laboratories
Classification: Pathogenic. Last evaluated: 2025-02-21. Review status: criteria provided, single submitter. Criteria: ARUP Molecular Germline Variant Investigation Process 2024. Collection method: clinical testing. Allele origin: germline. Not counted in ClinVar's aggregate classification.
Comment: The F8 c.6622C>G; p.Gln2208Glu variant (rs1472169963; ClinVar Variation ID: 811219), also known as Q2189E, is reported in the literature in multiple individuals affected with mild to moderate hemophilia A (David 2006, Fernandez-Lopez 2005, Johnsen 2017, Markoff 2009, F8 database and references therein). This variant is only observed on three alleles in the Genome Aggregation Database (v2.1.1), indicating it is not a common polymorphism. Computational analyses predict that this variant is deleterious (REVEL: 0.799). Additionally, other variants at this codon (c.6623A>G, p.Gln2208Arg; c.6623A>C, p.Gln2208Pro) have been reported in individuals with mild to moderate hemophilia A and are considered pathogenic (Casana 2008, Cid 2007, Fernandez-Lopez 2005, Markoff 2009, F8 database and references therein). Based on available information, the p.Gln2208Glu variant is considered to be pathogenic. References: Link to F8 Database: Casana P et al. Severe and moderate hemophilia A: identification of 38 new genetic alterations. Haematologica. 2008 Jul;93(7):1091-4. PMID: 18403393. Cid AR et al. Treatment in a haemophiliac A patient with paroxysmal atrial fibrillation and ischemic heart disease. Haemophilia. 2007 Nov;13(6):760-2. PMID: 17973853. David D et al. The spectrum of mutations and molecular pathogenesis of hemophilia A in 181 Portuguese patients. Haematologica. 2006 Jun;91(6):840-3. PMID: 16769589. Fernandez-Lopez O et al. The spectrum of mutations in Southern Spanish patients with hemophilia A and identification of 28 novel mutations. Haematologica. 2005 May;90(5):707-10. PMID: 15921397. Johnsen JM et al. Novel approach to genetic analysis and results in 3000 hemophilia patients enrolled in the My Life, Our Future initiative. Blood Adv. 2017 May 18;1(13):824-834. PMID: 29296726. Markoff A et al. Combined homology modelling and evolutionary significance evaluation of missense mutations in blood clotting factor VIII to highlight aspects of structure and function. Haemophilia. 2009 Jul;15(4):932-41. PMID: 19473423.

Mayo Clinic Laboratories, Mayo Clinic
Classification: Likely pathogenic. Last evaluated: 2022-12-13. Review status: criteria provided, single submitter. Criteria: ACMG Guidelines, 2015. Collection method: clinical testing. Allele origin: germline. Observed: 1 variant allele. Not counted in ClinVar's aggregate classification.
Comment: PP3, PM1_supporting, PM5, PS4_moderate

Fulgent Genetics
Classification: Pathogenic for Thrombophilia, X-linked, due to factor 8 defect; Hereditary factor VIII deficiency disease. Last evaluated: 2021-10-22. Review status: criteria provided, single submitter. Criteria: ACMG Guidelines, 2015. Collection method: clinical testing. Allele origin: unknown. Not counted in ClinVar's aggregate classification.

Literature cited by the submitters: PubMed 29296726 (cited by Women's Health and Genetics/Laboratory Corporation of America, LabCorp); PubMed 15921397 (cited by Women's Health and Genetics/Laboratory Corporation of America, LabCorp); PubMed 21645180 (cited by Women's Health and Genetics/Laboratory Corporation of America, LabCorp).